The following is an entry in ClinVar:

NM_001347721.2(DYRK1A):c.1622A>G (p.Asp541Gly)

Gene: DYRK1A (dual specificity tyrosine phosphorylation regulated kinase 1A; plus strand). Cytogenetic location: 21q22.13.
Variant type: single nucleotide variant.
Coding change: c.1622A>G on transcript NM_001347721.2 (MANE Select); coding-DNA position 1622, A replaced by G.
Protein change: p.Asp541Gly; replaces aspartic acid 541 with glycine.
Molecular consequence: missense variant. On other transcripts: intron variant (1).
Genome position (GRCh38, 1-based): chr21:37,506,201, A>G. VCF-style: chr21-37506201-A-G. GRCh37 (hg19) VCF-style: chr21-38878504-A-G.
Other names: c.1622A>G, p.Asp541Gly (NM_001347722.2, NM_130436.2); c.1535A>G, p.Asp512Gly (NM_001347723.2); c.1649A>G, p.Asp550Gly (NM_001396.5, NM_101395.2); c.1546+612A>G (NM_130438.2); short protein forms D512G, D541G, D550G.
Identifiers: ClinVar variation 3377751 (VCV003377751.1).

ClinVar aggregate classification (germline): Uncertain significance (1 of 4 stars; one submission).

Conditions:
DYRK1A-related intellectual disability syndrome (MRD7). Also called: DYRK1A Syndrome; Intellectual developmental disorder, autosomal dominant 7. Identifiers: Orphanet 464306, MedGen C5568143, MONDO:0013578, OMIM 614104.

Submission:

Neuberg Centre For Genomic Medicine, NCGM
Classification: Uncertain significance for DYRK1A-related intellectual disability syndrome. Last evaluated: 2023-06-22. Review status: criteria provided, single submitter. Criteria: ACMG Guidelines, 2015. Collection method: clinical testing. Allele origin: germline. Inheritance: Autosomal dominant inheritance. Affected: yes.
Comment: The missense c.1622A>G (p.Asp541Gly) variant in the DYRK1A gene has not been reported previously as a pathogenic variant nor as a benign variant, to our knowledge. This variant is absent in the gnomAD Exomes. The amino acid Aspartic acid at position 541 is changed to a Glycine changing protein sequence and it might alter its composition and physico-chemical properties. Multiple lines of computational evidence (Polyphen - Probably damaging, SIFT – Damaging and MutationTaster - Disease causing) predict a damaging effect on protein structure and function for this variant. The amino acid Aspartic acid in DYRK1A is predicted as conserved by GERP++ and PhyloP across 100 vertebrates. For these reasons, this variant has been classified as Uncertain Significance.